The following is an entry in ClinVar:

NM_001365951.3(KIF1B):c.2180C>A (p.Thr727Lys)

Gene: KIF1B (kinesin family member 1B; plus strand). Cytogenetic location: 1p36.22.
Variant type: single nucleotide variant.
Coding change: c.2180C>A on transcript NM_001365951.3 (MANE Select); coding-DNA position 2180, C replaced by A.
Protein change: p.Thr727Lys; replaces threonine 727 with lysine.
Molecular consequence: missense variant.
Genome position (GRCh38, 1-based): chr1:10,320,107, C>A. VCF-style: chr1-10320107-C-A. GRCh37 (hg19) VCF-style: chr1-10380165-C-A.
Other names: c.2180C>A, p.Thr727Lys (NM_001365952.1); c.2042C>A, p.Thr681Lys (NM_015074.3); short protein forms T681K, T727K.
Identifiers: ClinVar variation 3864090 (VCV003864090.1).

ClinVar aggregate classification (germline): Uncertain significance (1 of 4 stars; one submission).

Submission:

Ambry Genetics
Classification: Uncertain significance. Last evaluated: 2025-02-07. Review status: criteria provided, single submitter. Criteria: Ambry Variant Classification Scheme 2023. Collection method: clinical testing. Allele origin: germline.
Comment: The p.T681K variant (also known as c.2042C>A), located in coding exon 20 of the KIF1B gene, results from a C to A substitution at nucleotide position 2042. The threonine at codon 681 is replaced by lysine, an amino acid with similar properties. This amino acid position is conserved. In addition, the in silico prediction for this alteration is inconclusive. Based on the available evidence, the clinical significance of this variant remains unclear.